The following is an entry in ClinVar:

ClinVar aggregate classification (germline): Likely pathogenic (1 of 4 stars; one submission).

Conditions:
Glucose-6-phosphate transport defect (GSD1B). Also called: Glycogen Storage Disease Type Ib; GSD Ib. Identifiers: Orphanet 364, Orphanet 79259, MedGen C0268146, MONDO:0009288, OMIM 232220.

Submission:

Labcorp Genetics (formerly Invitae), Labcorp
Classification: Likely pathogenic for Glucose-6-phosphate transport defect. Last evaluated: 2023-11-18. Review status: criteria provided, single submitter. Criteria: Invitae Variant Classification Sherloc (09022015). Collection method: clinical testing. Allele origin: germline.
Comment: This variant results in the deletion of part of exon 8 (c.871-8_880del) of the SLC37A4 gene. It is expected to disrupt RNA splicing. Variants that disrupt the donor or acceptor splice site typically lead to a loss of protein function (PMID: 16199547), and loss-of-function variants in SLC37A4 are known to be pathogenic (PMID: 9758626, 10940311). This variant is not present in population databases (gnomAD no frequency). This variant has not been reported in the literature in individuals affected with SLC37A4-related conditions. In summary, the currently available evidence indicates that the variant is pathogenic, but additional data are needed to prove that conclusively. Therefore, this variant has been classified as Likely Pathogenic.

Literature cited by the submitters: PubMed 16199547; PubMed 9758626; PubMed 10940311.

NM_001164277.2(SLC37A4):c.872-8_881del

Gene: SLC37A4 (solute carrier family 37 member 4; minus strand). Cytogenetic location: 11q23.3.
Variant type: Deletion.
Coding change: c.872-8_881del on transcript NM_001164277.2 (MANE Select); 8 bases into the intron before coding-DNA position 872 through coding-DNA position 881, 18 bases deleted (ATCCATAGGCGGGACTGT).
Molecular consequence: splice acceptor variant.
Genome position (GRCh38, 1-based): chr11:119,026,071-119,026,088, ACAGTCCCGCCTATGGAT deleted on the plus strand (ATCCATAGGCGGGACTGT on the coding strand, the reverse complement: SLC37A4 is on the minus strand); deleting any 18 consecutive bases within chr11:119,026,071-119,026,097 gives the same sequence; the c. name uses the placement nearest the transcript's 3' end. VCF-style (leftmost placement, unchanged base first): chr11-119026070-GACAGTCCCGCCTATGGAT-G. GRCh37 (hg19) VCF-style: chr11-118896780-GACAGTCCCGCCTATGGAT-G.
Other names: c.872-8_881del (NM_001164278.2, NM_001164280.2, NM_001467.6); c.653-8_662del (NM_001164279.2).
Identifiers: ClinVar variation 2697074 (VCV002697074.3), dbSNP rs2497018051, ClinGen allele CA2616339988.